The following is an entry in ClinVar:

NM_000218.3(KCNQ1):c.1394-16888C>T

Genes: KCNQ1 (potassium voltage-gated channel subfamily Q member 1; plus strand), KCNQ1OT1 (KCNQ1 opposite strand/antisense transcript 1; minus strand). Cytogenetic location: 11p15.5.
Variant type: single nucleotide variant.
Coding change: c.1394-16888C>T on transcript NM_000218.3 (MANE Select); 16888 bases into the intron before coding-DNA position 1394, C replaced by T.
Molecular consequence: intron variant.
Genome position (GRCh38, 1-based): chr11:2,645,073, C>T. VCF-style: chr11-2645073-C-T. GRCh37 (hg19) VCF-style: chr11-2666303-C-T.
Other names: c.1124-16888C>T (NM_001406837.1); c.1298-16888C>T (NM_001406836.1); c.854-16888C>T (NM_001406838.1); c.1013-16888C>T (NM_181798.2).
Identifiers: ClinVar variation 1711285 (VCV001711285.30), dbSNP rs566559310, ClinGen allele CA216157643.

ClinVar aggregate classification (germline): Benign (1 of 4 stars; one submission).

Allele frequency attached by ClinVar (database versions not stated): 1000 Genomes Project 30x 0.00016; 1000 Genomes Project 0.00020; TOPMed 0.00073; gnomAD 0.00087; gnomAD exomes 0.00095.
gnomAD v4.1: 379 of 398,694 alleles (0.095%); highest among the groups gnomAD compares: Middle Eastern, 0.19%; 1 homozygote.

Submission:

CeGaT Center for Human Genetics Tuebingen
Classification: Benign. Last evaluated: 2026-09-01. Review status: criteria provided, single submitter. Criteria: CeGaT Center For Human Genetics Tuebingen Variant Classification Criteria Version 2. Collection method: clinical testing. Allele origin: germline. Affected: yes. Observed: 24 variant alleles.
Comment: KCNQ1OT1: BS1, BS2